The following is an entry in ClinVar:

NM_000492.4(CFTR):c.3629T>C (p.Met1210Thr)

Genes: CFTR (CF transmembrane conductance regulator; plus strand), CFTR-AS2 (CFTR antisense RNA 2; minus strand). Cytogenetic location: 7q31.2.
Variant type: single nucleotide variant.
Coding change: c.3629T>C on transcript NM_000492.4 (MANE Select); coding-DNA position 3629, T replaced by C.
Protein change: p.Met1210Thr; replaces methionine 1210 with threonine.
Molecular consequence: missense variant.
Genome position (GRCh38, 1-based): chr7:117,627,682, T>C. VCF-style: chr7-117627682-T-C. GRCh37 (hg19) VCF-style: chr7-117267736-T-C.
Other names: short protein forms M1210T.
Identifiers: ClinVar variation 4001808 (VCV004001808.1).

ClinVar aggregate classification (germline): Uncertain significance (1 of 4 stars; one submission).

Conditions:
Cystic fibrosis (CF). Also called: MUCOVISCIDOSIS. Identifiers: Orphanet 586, MedGen C0010674, MONDO:0009061, OMIM 219700. Disease mechanism: loss of function.

Submission:

Ambry Genetics
Classification: Uncertain significance for Cystic fibrosis. Last evaluated: 2025-03-30. Review status: criteria provided, single submitter. Criteria: Ambry Variant Classification Scheme 2023. Collection method: clinical testing. Allele origin: germline.
Comment: The p.M1210T variant (also known as c.3629T>C), located in coding exon 22 of the CFTR gene, results from a T to C substitution at nucleotide position 3629. The methionine at codon 1210 is replaced by threonine, an amino acid with similar properties. This amino acid position is conserved. In addition, this alteration is predicted to be deleterious by in silico analysis. Based on the available evidence, the clinical significance of this variant remains unclear.